The following is an entry in ClinVar:

NM_133497.4(KCNV2):c.311G>C (p.Gly104Ala)

Gene: KCNV2 (potassium voltage-gated channel modifier subfamily V member 2; plus strand). Cytogenetic location: 9p24.2.
Variant type: single nucleotide variant.
Coding change: c.311G>C on transcript NM_133497.4 (MANE Select); coding-DNA position 311, G replaced by C.
Protein change: p.Gly104Ala; replaces glycine 104 with alanine.
Molecular consequence: missense variant.
Genome position (GRCh38, 1-based): chr9:2,718,050, G>C. VCF-style: chr9-2718050-G-C. GRCh37 (hg19) VCF-style: chr9-2718050-G-C.
Other names: short protein forms G104A.
Identifiers: ClinVar variation 2054189 (VCV002054189.4), dbSNP rs1819771441, ClinGen allele CA372796492.

ClinVar aggregate classification (germline): Uncertain significance (1 of 4 stars; one submission).

Allele frequency attached by ClinVar (database versions not stated): gnomAD exomes below 0.00001; TOPMed below 0.00001.
gnomAD v4.1: 1 of 1,609,374 alleles (0.000062%); no homozygotes.

Submission:

Labcorp Genetics (formerly Invitae), Labcorp
Classification: Uncertain significance. Last evaluated: 2021-12-23. Review status: criteria provided, single submitter. Criteria: Invitae Variant Classification Sherloc (09022015). Collection method: clinical testing. Allele origin: germline.
Comment: Advanced modeling of protein sequence and biophysical properties (such as structural, functional, and spatial information, amino acid conservation, physicochemical variation, residue mobility, and thermodynamic stability) performed at Invitae indicates that this missense variant is expected to disrupt KCNV2 protein function. In summary, the available evidence is currently insufficient to determine the role of this variant in disease. Therefore, it has been classified as a Variant of Uncertain Significance. This variant has not been reported in the literature in individuals affected with KCNV2-related conditions. This variant is not present in population databases (gnomAD no frequency). This sequence change replaces glycine, which is neutral and non-polar, with alanine, which is neutral and non-polar, at codon 104 of the KCNV2 protein (p.Gly104Ala).